The following is an entry in ClinVar:

NM_001365951.3(KIF1B):c.4624T>G (p.Ser1542Ala)

Gene: KIF1B (kinesin family member 1B; plus strand). Cytogenetic location: 1p36.22.
Variant type: single nucleotide variant.
Coding change: c.4624T>G on transcript NM_001365951.3 (MANE Select); coding-DNA position 4624, T replaced by G.
Protein change: p.Ser1542Ala; replaces serine 1542 with alanine.
Molecular consequence: missense variant.
Genome position (GRCh38, 1-based): chr1:10,365,520, T>G. VCF-style: chr1-10365520-T-G. GRCh37 (hg19) VCF-style: chr1-10425578-T-G.
Other names: c.4624T>G, p.Ser1542Ala (NM_001365952.1); c.4486T>G, p.Ser1496Ala (NM_015074.3); short protein forms S1496A, S1542A.
Identifiers: ClinVar variation 2563602 (VCV002563602.2), dbSNP rs2521915148, ClinGen allele CA338322067.

ClinVar aggregate classification (germline): Uncertain significance (1 of 4 stars; one submission).

Allele frequency attached by ClinVar (database versions not stated): gnomAD exomes below 0.00001.
gnomAD v4.1: 2 of 1,614,012 alleles (0.00012%); highest among the groups gnomAD compares: Non-Finnish European, 0.00017%; no homozygotes.

Submission:

Ambry Genetics
Classification: Uncertain significance. Last evaluated: 2023-04-01. Review status: criteria provided, single submitter. Criteria: Ambry Variant Classification Scheme 2023. Collection method: clinical testing. Allele origin: germline.
Comment: The p.S1496A variant (also known as c.4486T>G), located in coding exon 40 of the KIF1B gene, results from a T to G substitution at nucleotide position 4486. The serine at codon 1496 is replaced by alanine, an amino acid with similar properties. This amino acid position is conserved. In addition, the in silico prediction for this alteration is inconclusive. Since supporting evidence is limited at this time, the clinical significance of this alteration remains unclear.